The following is an entry in ClinVar:

NM_007294.4(BRCA1):c.4019T>A (p.Leu1340Ter)

Genes: BRCA1 (BRCA1 DNA repair associated; minus strand), LOC126862571 (BRD4-independent group 4 enhancer GRCh37_chr17:41243136-41244335; plus strand). Cytogenetic location: 17q21.31.
Variant type: single nucleotide variant.
Coding change: c.4019T>A on transcript NM_007294.4 (MANE Select); coding-DNA position 4019, T replaced by A.
Protein change: p.Leu1340Ter; replaces leucine 1340 with a stop codon.
Molecular consequence: nonsense. On other transcripts: intron variant (135).
Genome position (GRCh38, 1-based): chr17:43,091,512, A>T on the plus strand (T>A on the coding strand, the complement: BRCA1 is on the minus strand). VCF-style: chr17-43091512-A-T. GRCh37 (hg19) VCF-style: chr17-41243529-A-T.
Other names: c.3806T>A, p.Leu1269Ter (NM_001407571.1, NM_001407853.1, NM_001407894.1 and 9 more transcripts); c.4019T>A, p.Leu1340Ter (NM_001407581.1, NM_001407582.1, NM_001407583.1 and 30 more transcripts); c.4016T>A, p.Leu1339Ter (NM_001407587.1, NM_001407590.1, NM_001407591.1 and 22 more transcripts); c.4010T>A, p.Leu1337Ter (NM_001407646.1, NM_001407647.1); c.3896T>A, p.Leu1299Ter (NM_001407648.1, NM_001407664.1, NM_001407665.1 and 19 more transcripts); c.3893T>A, p.Leu1298Ter (NM_001407649.1, NM_001407670.1, NM_001407671.1 and 11 more transcripts); c.3941T>A, p.Leu1314Ter (NM_001407653.1, NM_001407654.1, NM_001407655.1 and 4 more transcripts); c.3938T>A, p.Leu1313Ter (NM_001407659.1, NM_001407660.1, NM_001407661.1 and 1 more transcripts); and 41 more; short protein forms L1293*, L1340*, L1213*, L1228*, L1251*, L1273*, L472*, L1212*.
Identifiers: ClinVar variation 993165 (VCV000993165.5), dbSNP rs2053483708, ClinGen allele CA10593922.
Genomic context (GRCh38, chr17:43,091,512, plus strand): 5'-CTTTGCTCTTCTTGATTATTTTCTTCCAAGCCCGTTCCTCTTTCTTCATCATCTGAAACC[A>T]ATTCCTTGTCACTCAGACCAACTCCCTGGCTTTCAGACTGATGCCTCATTTGTTTGGAAG-3'

ClinVar aggregate classification (germline): Pathogenic/Likely pathogenic. Review status: criteria provided, multiple submitters, no conflicts (2 of 4 stars). 3 submissions from 3 submitters: Pathogenic (2); Likely pathogenic (1). Last evaluated 2025-11-17.

Conditions:
Hereditary cancer-predisposing syndrome. Also called: Neoplastic Syndromes, Hereditary; Hereditary Cancer Syndrome; Tumor predisposition; Hereditary neoplastic syndrome. Identifiers: Orphanet 140162, MedGen C0027672, MeSH D009386, MONDO:0015356.
Hereditary breast ovarian cancer syndrome. Also called: Hereditary breast and ovarian cancer; Hereditary breast and ovarian cancer syndrome; Breast and ovarian cancer; BRCA1- and BRCA2-Associated Hereditary Breast and Ovarian Cancer; Hereditary breast and/or ovarian cancer syndrome; Hereditary breast and ovarian cancer syndrome (HBOC). Identifiers: Orphanet 145, MedGen C0677776, MeSH D061325, MONDO:0003582. Disease mechanism: loss of function.

Submissions (3):

Women's Health and Genetics/Laboratory Corporation of America, LabCorp
Classification: Pathogenic for Hereditary breast ovarian cancer syndrome. Last evaluated: 2025-11-17. Review status: criteria provided, single submitter. Criteria: LabCorp Variant Classification Summary - May 2015. Collection method: clinical testing. Allele origin: germline.
Comment: Variant summary: BRCA1 c.4019T>A (p.Leu1340X) results in a premature termination codon, predicted to cause a truncation of the encoded protein or absence of the protein due to nonsense mediated decay, which are commonly known mechanisms for disease. The variant was absent in 251152 control chromosomes. To our knowledge, no occurrence of c.4019T>A in individuals affected with BRCA1-related conditions and no experimental evidence demonstrating its impact on protein function have been reported. ClinVar contains an entry for this variant (Variation ID: 993165). Based on the evidence outlined above, the variant was classified as pathogenic.

Ambry Genetics
Classification: Pathogenic for Hereditary cancer-predisposing syndrome. Last evaluated: 2020-01-08. Review status: criteria provided, single submitter. Criteria: Ambry Variant Classification Scheme 2023. Collection method: clinical testing. Allele origin: germline.
Comment: The p.L1340* pathogenic mutation (also known as c.4019T>A), located in coding exon 9 of the BRCA1 gene, results from a T to A substitution at nucleotide position 4019. This changes the amino acid from a leucine to a stop codon within coding exon 9. This alteration is expected to result in loss of function by premature protein truncation or nonsense-mediated mRNA decay. As such, this alteration is interpreted as a disease-causing mutation.

Quest Diagnostics Nichols Institute San Juan Capistrano
Classification: Likely pathogenic. Last evaluated: 2019-12-27. Review status: criteria provided, single submitter. Criteria: Quest Diagnostics criteria. Collection method: clinical testing. Allele origin: unknown.
Comment: The variant creates a premature nonsense codon, and is therefore predicted to result in the loss of a functional protein. Not found in the total gnomAD dataset, and the data is high quality.